The following is an entry in ClinVar:

ClinVar aggregate classification (germline): Likely pathogenic (1 of 4 stars; one submission).

Conditions:
Autosomal recessive polycystic kidney disease (ARPKD). Also called: AR polycystic kidney disease. Identifiers: Orphanet 731, Orphanet 8378, MedGen C0085548, MeSH D017044, MONDO:0009889.

Submission:

Natera, Inc.
Classification: Likely pathogenic for Autosomal recessive polycystic kidney disease. Last evaluated: 2025-01-15. Review status: criteria provided, single submitter. Criteria: Natera Variant Classification Schema (03/2026). Collection method: clinical testing. Allele origin: germline.
Comment: The c.7226_7244del variant in PKHD1 is a frameshift variant predicted to shift the reading frame beginning at codon 2409 and leads to a stop codon 53 codons downstream. This variant is expected to result in nonsense mediated decay, truncation, or a dysfunctional protein product. This variant is rare in the general population with a frequency below the threshold expected for the associated phenotype(s). Given the available evidence, this variant is classified as Likely Pathogenic.

NM_138694.4(PKHD1):c.7226_7244del (p.Ser2409fs)

Gene: PKHD1 (PKHD1 ciliary IPT domain containing fibrocystin/polyductin; minus strand). Cytogenetic location: 6p12.2.
Variant type: Deletion.
Coding change: c.7226_7244del on transcript NM_138694.4 (MANE Select); coding-DNA positions 7226 to 7244, 19 bases deleted (GTAGCAATCTTCGCCTGAA).
Protein change: p.Ser2409fs; shifts the reading frame from serine 2409.
Molecular consequence: frameshift variant.
Genome position (GRCh38, 1-based): chr6:51,883,199-51,883,217, TTCAGGCGAAGATTGCTAC deleted on the plus strand (GTAGCAATCTTCGCCTGAA on the coding strand, the reverse complement: PKHD1 is on the minus strand); deleting any 19 consecutive bases within chr6:51,883,199-51,883,220 gives the same sequence; the c. name uses the placement nearest the transcript's 3' end. VCF-style (leftmost placement, unchanged base first): chr6-51883198-TTTCAGGCGAAGATTGCTAC-T. GRCh37 (hg19) VCF-style: chr6-51747996-TTTCAGGCGAAGATTGCTAC-T.
Other names: c.7226_7244del, p.Ser2409fs (NM_170724.3); short protein forms S2409fs.
Identifiers: ClinVar variation 4060378 (VCV004060378.2).
Genomic context (GRCh38, chr6:51,883,198, plus strand): 5'-ATTTGCATCACTTTCCAAGACGTCAATTCCAAAATCTCTGCATGAATAAACTTTGAAGTT[TTTCAGGCGAAGATTGCTAC>T]TTCTAAAAATCTATAAAATACAGCATGTTACAGCAAAGGTCTGAGGCTTGGTTTTTCTTG-3'